The following is an entry in ClinVar:

NM_001384140.1(PCDH15):c.4080G>A (p.Val1360=)

Gene: PCDH15 (protocadherin related 15; minus strand). Cytogenetic location: 10q21.1.
Variant type: single nucleotide variant.
Coding change: c.4080G>A on transcript NM_001384140.1 (MANE Select); coding-DNA position 4080, G replaced by A.
Protein change: p.Val1360=; no amino-acid change (valine 1360 retained).
Molecular consequence: synonymous variant.
Genome position (GRCh38, 1-based): chr10:53,831,437, C>T on the plus strand (G>A on the coding strand, the complement: PCDH15 is on the minus strand). VCF-style: chr10-53831437-C-T. GRCh37 (hg19) VCF-style: chr10-55591197-C-T.
Other names: c.4095G>A, p.Val1365= (NM_001142763.2, NM_001142771.2); c.4080G>A, p.Val1360= (NM_001142764.2, NM_001142766.2, NM_001142770.3 and 4 more transcripts); c.3867G>A, p.Val1289= (NM_001142765.2); c.3969G>A, p.Val1323= (NM_001142767.2); c.4014G>A, p.Val1338= (NM_001142768.2, NM_001142773.2, NM_001354404.2); c.4116G>A, p.Val1372= (NM_001142769.4); c.4101G>A, p.Val1367= (NM_001354411.2).
Identifiers: ClinVar variation 46478 (VCV000046478.28), dbSNP rs111033499, ClinGen allele CA138430.

ClinVar aggregate classification (germline): Conflicting classifications of pathogenicity. Review status: criteria provided, conflicting classifications (1 of 4 stars). 8 submissions from 8 submitters: Uncertain significance (1); Likely benign (5). 2 of the submissions do not count toward it. Last evaluated 2026-03-01.

Conditions:
PCDH15-related disorder. Also called: PCDH15-related condition; PCDH15-related disorders.
Usher syndrome type 1 (USH1). Also called: RETINITIS PIGMENTOSA AND CONGENITAL DEAFNESS. Identifiers: Orphanet 231169, Orphanet 886, MedGen C1568247, MONDO:0010168, OMIM 276900.
Usher syndrome type 1F (USH1F). Also called: USHER SYNDROME, TYPE IF. Identifiers: Orphanet 231169, Orphanet 886, MedGen C1865885, MONDO:0011186, OMIM 602083.

Allele frequency attached by ClinVar (database versions not stated): ExAC 0.00020; gnomAD 0.00021; gnomAD exomes 0.00021; TOPMed 0.00025; ESP Exome Variant Server 0.00046.
gnomAD v4.1: 401 of 1,614,020 alleles (0.025%); highest among the groups gnomAD compares: Non-Finnish European, 0.031%; no homozygotes.

Submissions (8):

CeGaT Center for Human Genetics Tuebingen
Classification: Likely benign. Last evaluated: 2026-03-01. Review status: criteria provided, single submitter. Criteria: CeGaT Center For Human Genetics Tuebingen Variant Classification Criteria Version 2. Collection method: clinical testing. Allele origin: germline. Affected: yes. Observed: 1 variant allele.
Comment: PCDH15: BP4, BP7

Labcorp Genetics (formerly Invitae), Labcorp
Classification: Likely benign. Last evaluated: 2026-01-20. Review status: criteria provided, single submitter. Criteria: Invitae Variant Classification Sherloc (09022015). Collection method: clinical testing. Allele origin: germline.

Blueprint Genetics
Classification: Likely benign. Last evaluated: 2024-09-16. Review status: criteria provided, single submitter. Criteria: ACMG Guidelines, 2015. Collection method: clinical testing. Allele origin: germline.

GeneDx
Classification: Likely benign. Last evaluated: 2021-09-23. Review status: criteria provided, single submitter. Criteria: GeneDx Variant Classification Process June 2021. Collection method: clinical testing. Allele origin: germline. Affected: yes.

Illumina Laboratory Services, Illumina
Classification: Uncertain significance for Usher syndrome type 1. Last evaluated: 2018-01-12. Review status: criteria provided, single submitter. Criteria: ICSL Variant Classification Criteria 13 December 2019. Collection method: clinical testing. Allele origin: germline.

Laboratory for Molecular Medicine, Mass General Brigham Personalized Medicine
Classification: Likely benign. Last evaluated: 2015-02-05. Review status: criteria provided, single submitter. Criteria: LMM Criteria. Collection method: clinical testing. Allele origin: germline. Observed: 2 variant alleles.

Natera, Inc.
Classification: Uncertain significance for Usher syndrome type 1F. Last evaluated: 2020-01-24. Review status: no assertion criteria provided. Collection method: clinical testing. Allele origin: germline. Not counted in ClinVar's aggregate classification.

PreventionGenetics, part of Exact Sciences
Classification: Likely benign for PCDH15-related condition. Last evaluated: 2020-01-20. Review status: no assertion criteria provided. Collection method: clinical testing. Allele origin: germline. Not counted in ClinVar's aggregate classification.
Comment: This variant is classified as likely benign based on ACMG/AMP sequence variant interpretation guidelines (Richards et al. 2015 PMID: 25741868, with internal and published modifications).